The following is an entry in ClinVar:

ClinVar aggregate classification (germline): Pathogenic/Likely pathogenic. Review status: criteria provided, multiple submitters, no conflicts (2 of 4 stars). 6 submissions from 6 submitters: Pathogenic (4); Likely pathogenic (1). 1 of the submissions does not count toward it. Last evaluated 2026-01-28.

Conditions:
Multiple congenital anomalies-hypotonia-seizures syndrome 1 (MCAHS1). Also called: PIGN-CDG; Congenital disorder of glycosylation due to PIGN deficiency; GLYCOSYLPHOSPHATIDYLINOSITOL BIOSYNTHESIS DEFECT 3. Identifiers: Orphanet 280633, MedGen C3279775, MONDO:0013563, OMIM 614080.

Allele frequency attached by ClinVar (database versions not stated): ExAC 0.00002; gnomAD exomes 0.00002; TOPMed 0.00003; ESP Exome Variant Server 0.00008.

Submissions (6):

Women's Health and Genetics/Laboratory Corporation of America, LabCorp
Classification: Pathogenic for Multiple congenital anomalies-hypotonia-seizures syndrome 1. Last evaluated: 2026-01-28. Review status: criteria provided, single submitter. Criteria: LabCorp Variant Classification Summary - May 2015. Collection method: clinical testing. Allele origin: germline.
Comment: Variant summary: PIGN c.284G>A (p.Arg95Gln) results in a conservative amino acid change located in the GPI ethanolamine phosphate transferase 1, N-terminal domain (IPR037671) of the encoded protein sequence. Algorithms developed to predict the effect of missense changes on protein structure and function are either unavailable or do not agree on the potential impact of this missense change. The variant allele was found at a frequency of 1.6e-05 in 246758 control chromosomes. c.284G>A has been observed as a biallelic homozygous or compound heterozygous genotype in individuals affected with features of Multiple Congenital Anomalies-Hypotonia Syndrome 1 such as hypotonia, global developmental delay, and focal epilepsy, severe hypotonia and muscular dystrophy (e.g., Thiffault_2017, Jalkh_2019, Duval_2021, Internal data). These data indicate that the variant is likely to be associated with disease. To our knowledge, no experimental evidence demonstrating an impact on protein function has been reported. A different variant affecting the same codon has been classified as likely pathogenic/pathogenic by our lab (c.283C>T, p.Arg95Trp), supporting the critical relevance of codon 95 to PIGN protein function. The following publications have been ascertained in the context of this evaluation (PMID: 33763700, 30665423, 29096607, 35468813). ClinVar contains an entry for this variant (Variation ID: 648403). Based on the evidence outlined above, the variant was classified as pathogenic.

Labcorp Genetics (formerly Invitae), Labcorp
Classification: Pathogenic for Multiple congenital anomalies-hypotonia-seizures syndrome 1. Last evaluated: 2024-10-28. Review status: criteria provided, single submitter. Criteria: Invitae Variant Classification Sherloc (09022015). Collection method: clinical testing. Allele origin: germline.
Comment: This sequence change replaces arginine, which is basic and polar, with glutamine, which is neutral and polar, at codon 95 of the PIGN protein (p.Arg95Gln). The frequency data for this variant in the population databases is considered unreliable, as metrics indicate poor data quality at this position in the gnomAD database. This missense change has been observed in individual(s) with PIGN-related conditions (PMID: 29096607, 33763700; internal data). In at least one individual the data is consistent with being in trans (on the opposite chromosome) from a pathogenic variant. It has also been observed to segregate with disease in related individuals. ClinVar contains an entry for this variant (Variation ID: 648403). Invitae Evidence Modeling of protein sequence and biophysical properties (such as structural, functional, and spatial information, amino acid conservation, physicochemical variation, residue mobility, and thermodynamic stability) indicates that this missense variant is expected to disrupt PIGN protein function with a positive predictive value of 80%. For these reasons, this variant has been classified as Pathogenic.

GeneDx
Classification: Likely pathogenic. Last evaluated: 2023-12-01. Review status: criteria provided, single submitter. Criteria: GeneDx Variant Classification Process June 2021. Collection method: clinical testing. Allele origin: germline. Affected: yes.
Comment: Reported in an individual with global developmental delay, intractable epilepsy, severe hypotonia, and muscular atrophy, however, it is unclear whether a second PIGN variant was present (PMID: 33763700); Not observed at significant frequency in large population cohorts (gnomAD); In silico analysis supports that this missense variant has a deleterious effect on protein structure/function; This variant is associated with the following publications: (PMID: 29096607, 33763700)

3billion
Classification: Pathogenic for Multiple congenital anomalies-hypotonia-seizures syndrome 1. Last evaluated: 2022-05-22. Review status: criteria provided, single submitter. Criteria: ACMG Guidelines, 2015. Collection method: clinical testing. Allele origin: germline. Affected: yes. Observed: 1 homozygote.
Comment: The variant is observed at an extremely low frequency in the gnomAD v2.1.1 dataset (total allele frequency: 0.002%). Protein truncation variants are a common disease-causing mechanism. In silico tool predictions suggest damaging effect of the variant on gene or gene product (REVEL: 0.79; 3Cnet: 0.87). Same nucleotide change resulting in same amino acid change has been previously reported as pathogenic/likely pathogenic with strong evidence (ClinVar ID: VCV000648403). The variant has been reported to be in trans with a pathogenic variant as either compound heterozygous or homozygous in at least one similarly affected unrelated individual (PMID: 29096607). A different missense change at the same codon (p.Arg95Trp) has been reported to be associated with PIGN related disorder (PMID: 26633542). Therefore, this variant is classified as pathogenic according to the recommendation of ACMG/AMP guideline.

CeGaT Center for Human Genetics Tuebingen
Classification: Pathogenic. Last evaluated: 2020-09-01. Review status: criteria provided, single submitter. Criteria: CeGaT Center For Human Genetics Tuebingen Variant Classification Criteria Version 2. Collection method: clinical testing. Allele origin: germline. Affected: yes. Observed: 3 variant alleles.

Hong-Tao Li Lab, Institute of Brain Science and Brain-inspired Research, Shandong First Medical University & Shandong Academy of Medical Sciences China
Classification: Pathogenic for Multiple congenital anomalies-hypotonia-seizures syndrome 1. Review status: no assertion criteria provided. Collection method: research. Allele origin: germline. Inheritance: Autosomal recessive inheritance. Affected: yes. Observed: 1 variant allele, 1 homozygote. Not counted in ClinVar's aggregate classification.
Comment: Observed in affected individuals from a Pakistani neurodevelopmental-disorder research cohort of 263 individuals. Classification assigned using the ACMG/AMP framework. Population-frequency evidence: gnomAD AF 1.621e-05.

Literature cited by the submitters: PubMed 33763700 (cited by Women's Health and Genetics/Laboratory Corporation of America, LabCorp and Labcorp Genetics (formerly Invitae), Labcorp); PubMed 30665423 (cited by Women's Health and Genetics/Laboratory Corporation of America, LabCorp); PubMed 29096607 (cited by 3 submitters); PubMed 35468813 (cited by Women's Health and Genetics/Laboratory Corporation of America, LabCorp); PubMed 26633542 (cited by 3billion).

NM_176787.5(PIGN):c.284G>A (p.Arg95Gln)

Gene: PIGN (phosphatidylinositol glycan anchor biosynthesis class N; minus strand). Cytogenetic location: 18q21.33.
Variant type: single nucleotide variant.
Coding change: c.284G>A on transcript NM_176787.5 (MANE Select); coding-DNA position 284, G replaced by A.
Protein change: p.Arg95Gln; replaces arginine 95 with glutamine.
Molecular consequence: missense variant.
Genome position (GRCh38, 1-based): chr18:62,157,746, C>T on the plus strand (G>A on the coding strand, the complement: PIGN is on the minus strand). VCF-style: chr18-62157746-C-T. GRCh37 (hg19) VCF-style: chr18-59824979-C-T.
Other names: c.284G>A, p.Arg95Gln (NM_012327.6); short protein forms R95Q.
Identifiers: ClinVar variation 648403 (VCV000648403.59), dbSNP rs374704368, ClinGen allele CA8982618.